The following is an entry in ClinVar:

ClinVar aggregate classification (germline): Pathogenic/Likely pathogenic. Review status: criteria provided, multiple submitters, no conflicts (2 of 4 stars). 4 submissions from 4 submitters: Pathogenic (2); Likely pathogenic (2). Last evaluated 2025-01-15.

Conditions:
Hypotonia, infantile, with psychomotor retardation and characteristic facies 3 (IHPRF3). Also called: TBCK-Related Neurodevelopmental Disorder. Identifiers: Orphanet 488632, MedGen C5567480, MONDO:0014823, OMIM 616900.

Submissions (4):

Broad Center for Mendelian Genomics, Broad Institute of MIT and Harvard
Classification: Likely pathogenic for Hypotonia, infantile, with psychomotor retardation and characteristic facies 3. Last evaluated: 2025-01-15. Review status: criteria provided, single submitter. Criteria: ACMG Guidelines, 2015. Collection method: curation. Allele origin: germline. Inheritance: Autosomal recessive inheritance.
Comment: The p.Pro178ThrfsTer19 variant in TBCK has not been previously reported in the literature in individuals with TBCK-related intellectual disability syndrome, but has been identified in 0.0003% (3/1178432) of European (non-Finnish) chromosomes by the Genome Aggregation Database (gnomAD; dbSNP ID: rs1560911619). Although this variant has been seen in the general population in a heterozygous state, its frequency is low enough to be consistent with a recessive carrier frequency. It is of note that this variant occurs in a homopolymer repeat, which could indicate that it exists as an artifact from sequencing. However, disease-causing variants have been reported in homopolymer regions, so this is not enough to rule out a pathogenic role. This variant has also been reported in ClinVar (Variation ID: 1033753) and has been interpreted as likely pathogenic by Baylor genetics and pathogenic by Invitae. This variant is predicted to cause a frameshift, which alters the protein‚Äôs amino acid sequence beginning at position 178 and leads to a premature termination codon 19 amino acids downstream. This alteration is then predicted to lead to a truncated or absent protein. Loss of function of the TBCK gene is an established disease mechanism in autosomal recessive TBCK-related intellectual disability syndrome. In summary, although additional studies are required to fully establish its clinical significance, this variant is likely pathogenic for autosomal recessive TBCK-related intellectual disability syndrome. ACMG/AMP Criteria applied: PVS1, PM2_supporting (Richards 2015).

GeneDx
Classification: Pathogenic. Last evaluated: 2023-09-23. Review status: criteria provided, single submitter. Criteria: GeneDx Variant Classification Process June 2021. Collection method: clinical testing. Allele origin: germline. Affected: yes.
Comment: Frameshift variant predicted to result in protein truncation or nonsense mediated decay in a gene for which loss-of-function is a known mechanism of disease; Not observed at significant frequency in large population cohorts (gnomAD); Has not been previously published as pathogenic or benign to our knowledge

Labcorp Genetics (formerly Invitae), Labcorp
Classification: Pathogenic. Last evaluated: 2022-07-18. Review status: criteria provided, single submitter. Criteria: Invitae Variant Classification Sherloc (09022015). Collection method: clinical testing. Allele origin: germline.
Comment: This variant is present in population databases (no rsID available, gnomAD 0.0009%). This variant has not been reported in the literature in individuals affected with TBCK-related conditions. ClinVar contains an entry for this variant (Variation ID: 1033753). For these reasons, this variant has been classified as Pathogenic. This sequence change creates a premature translational stop signal (p.Pro178Thrfs*19) in the TBCK gene. It is expected to result in an absent or disrupted protein product. Loss-of-function variants in TBCK are known to be pathogenic (PMID: 27040692, 30103036).

Baylor Genetics
Classification: Likely pathogenic for Hypotonia, infantile, with psychomotor retardation and characteristic facies 3. Last evaluated: 2018-02-16. Review status: criteria provided, single submitter. Criteria: ACMG Guidelines, 2015. Collection method: clinical testing. Allele origin: paternal. Affected: yes.
Comment: This variant was determined to be likely pathogenic according to ACMG Guidelines, 2015 [PMID:25741868].

Literature cited by the submitters: PubMed 27040692 (cited by Labcorp Genetics (formerly Invitae), Labcorp); PubMed 30103036 (cited by Labcorp Genetics (formerly Invitae), Labcorp).

NM_001163435.3(TBCK):c.531dup (p.Pro178fs)

Gene: TBCK (TBC1 domain containing kinase; minus strand). Cytogenetic location: 4q24.
Variant type: Duplication.
Coding change: c.531dup on transcript NM_001163435.3 (MANE Select); coding-DNA position 531, one base duplicated (A; older notation c.531dupA).
Protein change: p.Pro178fs; shifts the reading frame from proline 178.
Molecular consequence: frameshift variant. On other transcripts: intron variant (1).
Genome position (GRCh38, 1-based): chr4:106,251,932, T duplicated on the plus strand (A on the coding strand, the reverse complement: TBCK is on the minus strand); the first of 6 consecutive T bases (chr4:106,251,932-106,251,937); duplicating any one gives the same sequence. VCF-style (leftmost placement, unchanged base first): chr4-106251931-G-GT. GRCh37 (hg19) VCF-style: chr4-107173088-G-GT.
Other names: NM_001163435.3(TBCK):c.531dup; p.Pro178fs; c.531dup, p.Pro178fs (NM_001163436.4); c.15dup, p.Pro6fs (NM_001290768.2); c.342dup, p.Pro115fs (NM_033115.5); c.480+46dup (NM_001163437.3); c.531dup (NM_001163435.2); short protein forms P115fs, P6fs, P178fs.
Identifiers: ClinVar variation 1033753 (VCV001033753.8), dbSNP rs1560911619, ClinGen allele CA553628119.